The following is an entry in ClinVar:

NM_005732.4(RAD50):c.3038T>C (p.Ile1013Thr)

Gene: RAD50 (RAD50 double strand break repair protein; plus strand). Cytogenetic location: 5q31.1.
Variant type: single nucleotide variant.
Coding change: c.3038T>C on transcript NM_005732.4 (MANE Select); coding-DNA position 3038, T replaced by C.
Protein change: p.Ile1013Thr; replaces isoleucine 1013 with threonine.
Molecular consequence: missense variant.
Genome position (GRCh38, 1-based): chr5:132,616,004, T>C. VCF-style: chr5-132616004-T-C. GRCh37 (hg19) VCF-style: chr5-131951696-T-C.
Other names: short protein forms I1013T.
Identifiers: ClinVar variation 1403432 (VCV001403432.9), dbSNP rs2149852914, ClinGen allele CA360963374.
Genomic context (GRCh38, chr5:132,616,004, plus strand): 5'-ACAGATTTCATGTTAGTAACTTGGTTATTTTTGTTAACTAATTTAATGTTTACCTTTAGA[T>C]ACAAGAAAGGTGGCTACAAGATAACCTTACTTTAAGAAAAAGAAATGAGGAACTAAAAGA-3'
Protein context (NP_005723.2, residues 1003-1023): LMRQDIDTQK[Ile1013Thr]QERWLQDNLT

ClinVar aggregate classification (germline): Uncertain significance. Review status: criteria provided, multiple submitters, no conflicts (2 of 4 stars). 2 submissions from 2 submitters: Uncertain significance (2). Last evaluated 2024-04-05.

Conditions:
Hereditary cancer-predisposing syndrome. Also called: Hereditary neoplastic syndrome; Hereditary Cancer Syndrome; Neoplastic Syndromes, Hereditary; Tumor predisposition. Identifiers: Orphanet 140162, MedGen C0027672, MeSH D009386, MONDO:0015356.

gnomAD v4.1: 1 of 1,579,114 alleles (0.000063%); highest among the groups gnomAD compares: Non-Finnish European, 0.000087%; no homozygotes.

Submissions (2):

Ambry Genetics
Classification: Uncertain significance for Hereditary cancer-predisposing syndrome. Last evaluated: 2024-04-05. Review status: criteria provided, single submitter. Criteria: Ambry Variant Classification Scheme 2023. Collection method: clinical testing. Allele origin: germline.
Comment: The p.I1013T variant (also known as c.3038T>C), located in coding exon 20 of the RAD50 gene, results from a T to C substitution at nucleotide position 3038. The isoleucine at codon 1013 is replaced by threonine, an amino acid with similar properties. This amino acid position is well conserved in available vertebrate species. In addition, this alteration is predicted to be tolerated by in silico analysis. Since supporting evidence is limited at this time, the clinical significance of this alteration remains unclear.

Labcorp Genetics (formerly Invitae), Labcorp
Classification: Uncertain significance for Hereditary cancer-predisposing syndrome. Last evaluated: 2021-12-23. Review status: criteria provided, single submitter. Criteria: Invitae Variant Classification Sherloc (09022015). Collection method: clinical testing. Allele origin: germline.
Comment: In summary, the available evidence is currently insufficient to determine the role of this variant in disease. Therefore, it has been classified as a Variant of Uncertain Significance. Algorithms developed to predict the effect of missense changes on protein structure and function (SIFT, PolyPhen-2, Align-GVGD) all suggest that this variant is likely to be tolerated. This variant has not been reported in the literature in individuals affected with RAD50-related conditions. This variant is not present in population databases (gnomAD no frequency). This sequence change replaces isoleucine, which is neutral and non-polar, with threonine, which is neutral and polar, at codon 1013 of the RAD50 protein (p.Ile1013Thr).